The following is an entry in ClinVar:

ClinVar aggregate classification (germline): Uncertain significance. Review status: criteria provided, multiple submitters, no conflicts (2 of 4 stars). 2 submissions from 2 submitters: Uncertain significance (2). Last evaluated 2025-12-09.

Conditions:
Inborn genetic diseases. Identifiers: MedGen C0950123, MeSH D030342.
Landau-Kleffner syndrome (FESD). Also called: EPILEPSY, FOCAL, WITH SPEECH DISORDER AND WITH OR WITHOUT MENTAL RETARDATION; APHASIA, ACQUIRED, WITH EPILEPSY. Identifiers: Orphanet 1945, Orphanet 725, Orphanet 98818, MedGen C0282512, MONDO:0009509, OMIM 245570.

Submissions (2):

Ambry Genetics
Classification: Uncertain significance for Inborn genetic diseases. Last evaluated: 2025-12-09. Review status: criteria provided, single submitter. Criteria: Ambry Variant Classification Scheme 2023. Collection method: clinical testing. Allele origin: germline.

Labcorp Genetics (formerly Invitae), Labcorp
Classification: Uncertain significance for Landau-Kleffner syndrome. Last evaluated: 2024-04-10. Review status: criteria provided, single submitter. Criteria: Invitae Variant Classification Sherloc (09022015). Collection method: clinical testing. Allele origin: germline.
Comment: This sequence change replaces valine, which is neutral and non-polar, with isoleucine, which is neutral and non-polar, at codon 17 of the GRIN2A protein (p.Val17Ile). This variant is not present in population databases (gnomAD no frequency). This variant has not been reported in the literature in individuals affected with GRIN2A-related conditions. ClinVar contains an entry for this variant (Variation ID: 1501856). Advanced modeling of protein sequence and biophysical properties (such as structural, functional, and spatial information, amino acid conservation, physicochemical variation, residue mobility, and thermodynamic stability) performed at Invitae indicates that this missense variant is not expected to disrupt GRIN2A protein function with a negative predictive value of 95%. In summary, the available evidence is currently insufficient to determine the role of this variant in disease. Therefore, it has been classified as a Variant of Uncertain Significance.

NM_001134407.3(GRIN2A):c.49G>A (p.Val17Ile)

Gene: GRIN2A (glutamate ionotropic receptor NMDA type subunit 2A; minus strand). Cytogenetic location: 16p13.2.
Variant type: single nucleotide variant.
Coding change: c.49G>A on transcript NM_001134407.3 (MANE Select); coding-DNA position 49, G replaced by A.
Protein change: p.Val17Ile; replaces valine 17 with isoleucine.
Molecular consequence: missense variant.
Genome position (GRCh38, 1-based): chr16:10,180,363, C>T on the plus strand (G>A on the coding strand, the complement: GRIN2A is on the minus strand). VCF-style: chr16-10180363-C-T. GRCh37 (hg19) VCF-style: chr16-10274220-C-T.
Other names: c.49G>A (NM_000833.3); c.49G>A, p.Val17Ile (NM_000833.5, NM_001134408.2); short protein forms V17I.
Identifiers: ClinVar variation 1501856 (VCV001501856.9), dbSNP rs2050242807, ClinGen allele CA394715830.